The following is an entry in ClinVar:

ClinVar aggregate classification (germline): Pathogenic. Review status: criteria provided, single submitter (1 of 4 stars). 2 submissions from 2 submitters: Pathogenic (1). 1 of the submissions does not count toward it. Last evaluated 2020-02-03.

Conditions:
Mandibulofacial dysostosis-microcephaly syndrome (MFDGA). Also called: Growth and mental retardation, mandibulofacial dysostosis, microcephaly, and cleft palate; Mandibulofacial dysostosis, Guion-Almeida type. Identifiers: Orphanet 79113, MedGen C1864652, MONDO:0012516, OMIM 610536.

Submissions (2):

GeneDx
Classification: Pathogenic. Last evaluated: 2020-02-03. Review status: criteria provided, single submitter. Criteria: GeneDx Variant Classification Process June 2021. Collection method: clinical testing. Allele origin: germline. Affected: yes.
Comment: Nonsense variant in the C-terminus predicted to result in protein truncation, as the last 49 amino acids are lost, and other loss-of-function variants have been reported downstream in the Human Gene Mutation Database (Stenson et al., 2014); Not observed in large population cohorts (Lek et al., 2016); This variant is associated with the following publications: (PMID: 27895973, 25790162, 22305528)

OMIM
Classification: Pathogenic for MANDIBULOFACIAL DYSOSTOSIS, GUION-ALMEIDA TYPE. Last evaluated: 2012-02-10. Review status: no assertion criteria provided. Collection method: literature only. Allele origin: germline. Not counted in ClinVar's aggregate classification.

Literature cited by the submitters: PubMed 19334086 (cited by OMIM); PubMed 22305528 (cited by OMIM).

NM_004247.4(EFTUD2):c.2770C>T (p.Gln924Ter)

Gene: EFTUD2 (elongation factor Tu GTP binding domain containing 2; minus strand). Cytogenetic location: 17q21.31.
Variant type: single nucleotide variant.
Coding change: c.2770C>T on transcript NM_004247.4 (MANE Select); coding-DNA position 2770, C replaced by T.
Protein change: p.Gln924Ter; replaces glutamine 924 with a stop codon.
Molecular consequence: nonsense.
Genome position (GRCh38, 1-based): chr17:44,851,763, G>A on the plus strand (C>T on the coding strand, the complement: EFTUD2 is on the minus strand). VCF-style: chr17-44851763-G-A. GRCh37 (hg19) VCF-style: chr17-42929131-G-A.
Other names: c.2665C>T, p.Gln889Ter (NM_001142605.2); c.2770C>T, p.Gln924Ter (NM_001258353.2); c.2740C>T, p.Gln914Ter (NM_001258354.2); short protein forms Q924*, Q914*, Q889*.
Identifiers: ClinVar variation 30401 (VCV000030401.4), dbSNP rs387906878, ClinGen allele CA259797.